The following is an entry in ClinVar:

NM_000313.4(PROS1):c.233C>T (p.Thr78Met)

Gene: PROS1 (protein S; minus strand). Cytogenetic location: 3q11.1.
Variant type: single nucleotide variant.
Coding change: c.233C>T on transcript NM_000313.4 (MANE Select); coding-DNA position 233, C replaced by T.
Protein change: p.Thr78Met; replaces threonine 78 with methionine.
Molecular consequence: missense variant.
Genome position (GRCh38, 1-based): chr3:93,927,251, G>A on the plus strand (C>T on the coding strand, the complement: PROS1 is on the minus strand). VCF-style: chr3-93927251-G-A. GRCh37 (hg19) VCF-style: chr3-93646095-G-A.
Other names: c.329C>T, p.Thr110Met (NM_001314077.2); short protein forms T78M, T110M.
Identifiers: ClinVar variation 215991 (VCV000215991.24), dbSNP rs6122, ClinGen allele CA337558.

ClinVar aggregate classification (germline): Conflicting classifications of pathogenicity. Review status: criteria provided, conflicting classifications (1 of 4 stars). 10 submissions from 9 submitters: Pathogenic (3); Likely pathogenic (5); Uncertain significance (1). 1 of the submissions does not count toward it. Last evaluated 2026-04-24.

Conditions:
PROS1-related disorder. Also called: PROS1-related condition.
Thrombophilia due to protein S deficiency, autosomal dominant (THPH5). Identifiers: Orphanet 26349, Orphanet 743, MedGen C3278211, MONDO:0012868, OMIM 612336. Disease mechanism: loss of function.
Thrombophilia due to protein S deficiency, autosomal recessive (THPH6). Identifiers: Orphanet 743, MedGen C3281092, MONDO:0013791, OMIM 614514. Disease mechanism: loss of function.
Protein S deficiency disease. Also called: Protein S deficiency. Identifiers: MedGen C0242666, MeSH D018455, MONDO:0002304.
Deep venous thrombosis. Also called: Deep vein thrombosis. Identifiers: MedGen C0149871, MeSH D020246, HP:0002625.

Allele frequency attached by ClinVar (database versions not stated): gnomAD 0.00002 and 0.00003; gnomAD exomes 0.00005; ExAC 0.00006; TOPMed 0.00006; 1000 Genomes Project 30x 0.00016; 1000 Genomes Project 0.00020.
gnomAD v4.1: 109 of 1,612,202 alleles (0.0068%); highest among the groups gnomAD compares: East Asian, 0.013%; no homozygotes.

Submissions (10):

PreventionGenetics, part of Exact Sciences
Classification: Pathogenic for PROS1-related condition. Last evaluated: 2026-04-24. Review status: criteria provided, single submitter. Criteria: ACMG Guidelines, 2015. Collection method: clinical testing. Allele origin: germline.
Comment: The PROS1 c.233C>T variant is predicted to result in the amino acid substitution p.Thr78Met. This variant, referred to as p.Thr37Met using legacy nomenclature or c.329C>T, p.Thr110Met in the alternate transcript NM.001314077, has been reported in the heterozygous state in multiple individuals with mild protein S deficiency (Gandrille et al. 1995. PubMed ID: 7803790; Wypasek et al. 2021. PubMed ID: 34533296; Härtl et al. 2022. PubMed ID: 36411388) and the variant has been noted to segregate with the disorder in families with variable expressivity (Duebgen et al. 2012. PubMed ID: 22261441; Larsen et al. 2021. PubMed ID: 34729451). In vitro experimental studies suggest this variant causes a mild reduction in protein S activity and impacts protein binding (Rezende et al. 2002. PubMed ID: 12351389; Do et al. 2020. PubMed ID: 32964666; Larsen et al. 2021. PubMed ID: 3472945). This variant is reported in 0.0065% of alleles in individuals of South Asian descent in gnomAD and the majority of laboratories classify this variant as likely pathogenic or pathogenic in ClinVar (Variation ID: 215991). This variant is interpreted as pathogenic.

GeneDx
Classification: Likely pathogenic. Last evaluated: 2026-02-04. Review status: criteria provided, single submitter. Criteria: GeneDx Variant Classification Process June 2021. Collection method: clinical testing. Allele origin: germline.
Comment: Published functional studies demonstrate a damaging effect on protein binding and function (PMID: 12351389); In silico analysis supports that this missense variant has a deleterious effect on protein structure/function; This variant is associated with the following publications: (PMID: 12351389, 31019026, 31980526, 20981092, 7803790, 22261441, 20880255, 34015304, 34533296, 34729451, 37647632, 36411388, 32964666, 31064749)

Labcorp Genetics (formerly Invitae), Labcorp
Classification: Pathogenic for Thrombophilia due to protein S deficiency, autosomal recessive. Last evaluated: 2026-01-07. Review status: criteria provided, single submitter. Criteria: Invitae Variant Classification Sherloc (09022015). Collection method: clinical testing. Allele origin: germline.
Comment: This sequence change replaces threonine, which is neutral and polar, with methionine, which is neutral and non-polar, at codon 78 of the PROS1 protein (p.Thr78Met). This variant is present in population databases (rs6122, gnomAD 0.006%). This missense change has been observed in individuals with PROS1-related conditions (PMID: 7803790, 12351389, 20880255, 22261441, 32964666). This variant is also known as p.Thr37Met. ClinVar contains an entry for this variant (Variation ID: 215991). An algorithm developed to predict the effect of missense changes on protein structure and function (PolyPhen-2) suggests that this variant is likely to be disruptive. Experimental studies have shown that this missense change affects PROS1 function (PMID: 12351389). For these reasons, this variant has been classified as Pathogenic.

Mayo Clinic Laboratories, Mayo Clinic
Classification: Pathogenic. Last evaluated: 2025-06-04. Review status: criteria provided, single submitter. Criteria: ACMG Guidelines, 2015. Collection method: clinical testing. Allele origin: germline. Observed: 4 variant alleles.
Comment: PP3_strong, PM2_supporting, PS3, PS4_very_strong

Victorian Clinical Genetics Services, Murdoch Childrens Research Institute
Classification: Likely pathogenic for Thrombophilia due to protein S deficiency, autosomal dominant. Last evaluated: 2022-06-24. Review status: criteria provided, single submitter. Criteria: ACMG Guidelines, 2015. Collection method: clinical testing. Allele origin: germline. Inheritance: Autosomal dominant inheritance. Affected: no.
Comment: Based on the classification scheme VCGS_Germline_v1.3.4, this variant is classified as Likely pathogenic. Following criteria are met: 0102 - Loss of function is a known mechanism of disease in this gene and is associated with dominant and recessive thrombophilia due to protein S deficiency (MIM#612336, MIM#614514). (I) 0108 - This gene is associated with both recessive and dominant disease (OMIM). (I) 0112 - The condition associated with this gene has incomplete penetrance (PMID: 31335064). (I) 0115 - Variants in this gene are known to have variable expressivity (PMID: 20880255). (I) 0200 - Variant is predicted to result in a missense amino acid change from threonine to methionine. (I) 0251 - This variant is heterozygous. (I) 0302 - Variant is present in gnomAD (v2) <0.001 for a dominant condition (13 heterozygotes, 0 homozygotes). (SP) 0501 - Missense variant consistently predicted to be damaging by multiple in silico tools or highly conserved with a major amino acid change. (SP) 0600 - Variant is located in the annotated GLA domain (DECIPHER). (I) 0801 - This variant has strong previous evidence of pathogenicity in unrelated individuals. This variant has been reported multiple times as likely pathogenic, and observed in heterozygous individuals with thrombotic events and/or protein S deficiency. Some heterozygous relatives were unaffected, and several probands also carried causative variants in other genes (ClinVar, PMID: 31064749, PMID: 34729451, PMID: 12351389, PMID: 20880255). (SP) 1002 - This variant has moderate functional evidence supporting abnormal protein function. Transfected HEK293 and COS-1 cells demonstrated reduced enzyme activity and protein expression, whereas patient cells showed reduced protein S activity and only slightly reduced free protein S (PMID: 34729451, PMID: 12351389). (SP) 1208 - Inheritance information for this variant is not currently available in this individual. (I) Legend: (SP) - Supporting pathogenic, (I) - Information, (SB) - Supporting benign

Revvity Omics, Revvity
Classification: Likely pathogenic. Last evaluated: 2022-01-27. Review status: criteria provided, single submitter. Criteria: ACMG Guidelines, 2015. Collection method: clinical testing. Allele origin: germline.

NIHR Bioresource Rare Diseases, University of Cambridge
Classification: Uncertain significance for Deep venous thrombosis. Last evaluated: 2019-02-01. Review status: criteria provided, single submitter. Criteria: ACMG Guidelines, 2015. Collection method: research. Allele origin: unknown. Affected: yes. Observed: 1 heterozygote. Study: ThromboGenomics.

NIHR Bioresource Rare Diseases, University of Cambridge
Classification: Likely pathogenic for Reduced protein S activity. Last evaluated: 2019-02-01. Review status: criteria provided, single submitter. Criteria: ACMG Guidelines, 2015. Collection method: research. Allele origin: unknown. Affected: yes. Observed: 1 heterozygote. Study: ThromboGenomics.

Juno Genomics, Hangzhou Juno Genomics, Inc
Classification: Likely pathogenic for Thrombophilia due to protein S deficiency, autosomal dominant; Thrombophilia due to protein S deficiency, autosomal recessive. Review status: criteria provided, single submitter. Criteria: ACMG Guidelines, 2015. Collection method: clinical testing. Allele origin: germline.
Comment: Absent from controls (or at extremely low frequency if recessive) in Genome Aggregation Database.;Well-established in vitro or in vivo functional studies supportive of a damaging effect on the gene or gene product.;The prevalence of the variant in affected individuals is significantly increased compared to the prevalence in controls.;Patient's phenotype or family history is highly specific for a disease with a single genetic etiology.

Department of Transfusion Medicine and Hemostaseology, University Hospital Erlangen
Classification: Pathogenic for Thrombophilia due to protein S deficiency, autosomal dominant. Last evaluated: 2025-09-01. Review status: no assertion criteria provided. Collection method: clinical testing. Allele origin: germline. Not counted in ClinVar's aggregate classification.
Comment: This variant was identified during a screening of patients with suspected hereditary Protein S deficiency. It has been repeatedly described in the literature as correlating with protein S deficiency (e.g., PMID: 7803790, 22261441, 34729451) and has been characterized in vitro as causative for Protein S deficiency (PMID: 12351389). According to dbSNP it represents a very rare genetic alteration, previously detected in the European population in heterozygous state only according to the Allele Frequency Aggregator dataset. While PolyPhen-2 and SIFT classify this variant as likely pathogenic, it is classified as of uncertain significance by AlphaMissense. Taken together, we classified this variant as pathogenic.

Literature cited by the submitters: PubMed 7803790 (cited by 3 submitters); PubMed 12351389 (cited by 4 submitters); PubMed 20880255 (cited by 3 submitters); PubMed 22261441 (cited by 3 submitters); PubMed 32964666 (cited by Labcorp Genetics (formerly Invitae), Labcorp and Mayo Clinic Laboratories, Mayo Clinic); PubMed 26466767 (cited by Mayo Clinic Laboratories, Mayo Clinic); PubMed 34729451 (cited by 3 submitters); PubMed 31064749 (cited by Victorian Clinical Genetics Services, Murdoch Childrens Research Institute and NIHR Bioresource Rare Diseases, University of Cambridge); PubMed 31335064 (cited by Victorian Clinical Genetics Services, Murdoch Childrens Research Institute).